The following is an entry in ClinVar:

ClinVar aggregate classification (germline): Pathogenic (1 of 4 stars; one submission).

Conditions:
Joubert syndrome 21 (JBTS21). Identifiers: MedGen C3810212, MONDO:0014288, OMIM 615636.

Submission:

Labcorp Genetics (formerly Invitae), Labcorp
Classification: Pathogenic for Joubert syndrome 21. Last evaluated: 2022-09-27. Review status: criteria provided, single submitter. Criteria: Invitae Variant Classification Sherloc (09022015). Collection method: clinical testing. Allele origin: germline.
Comment: This variant has not been reported in the literature in individuals affected with CSPP1-related conditions. For these reasons, this variant has been classified as Pathogenic. This variant is present in population databases (rs763103286, gnomAD 0.002%). This sequence change creates a premature translational stop signal (p.Leu123Argfs*19) in the CSPP1 gene. It is expected to result in an absent or disrupted protein product. Loss-of-function variants in CSPP1 are known to be pathogenic (PMID: 24360807, 24360808).

Literature cited by the submitters: PubMed 24360807; PubMed 24360808.

NM_001382391.1(CSPP1):c.259_263del (p.Leu87fs)

Gene: CSPP1 (centrosome and spindle pole associated protein 1; plus strand). Cytogenetic location: 8q13.1.
Variant type: Deletion.
Coding change: c.259_263del on transcript NM_001382391.1 (MANE Select); coding-DNA positions 259 to 263, 5 bases deleted (TTAAA; older notation c.259_263delTTAAA).
Protein change: p.Leu87fs; shifts the reading frame from leucine 87.
Molecular consequence: frameshift variant. On other transcripts: 5 prime UTR variant (1).
Genome position (GRCh38, 1-based): chr8:67,086,066-67,086,070, TTAAA deleted; deleting any 5 consecutive bases within chr8:67,086,062-67,086,070 gives the same sequence; the c. name uses the placement nearest the transcript's 3' end. VCF-style (leftmost placement, unchanged base first): chr8-67086061-ATAAAT-A. GRCh37 (hg19) VCF-style: chr8-67998296-ATAAAT-A.
Other names: c.-516_-512del (NM_001291339.2); c.259_263del, p.Leu87fs (NM_001363131.2, NM_001363132.2, NM_001363133.2); c.367_371del, p.Leu123fs (NM_001364869.1, NM_001364870.1); c.367_371delTTAAA, p.Leu123Argfs (NM_024790.7); short protein forms L87fs, L123fs.
Identifiers: ClinVar variation 2152208 (VCV002152208.4), dbSNP rs763103286, ClinGen allele CA4770180.
Genomic context (GRCh38, chr8:67,086,061, plus strand): 5'-TTCTAGGAATTGATTATGGATTAAGTTTACCACTTGGAGAAGACTATGAACGGAAGAAAC[ATAAAT>A]TAAAAGAAGAATTGCGGCAAGATTACAGACGTTATCTTACTCAGGTAATGAGTTCTATTA-3'